The following is an entry in ClinVar:

NM_205768.3(ZBTB18):c.946G>A (p.Val316Ile)

Gene: ZBTB18 (zinc finger and BTB domain containing 18; plus strand). Cytogenetic location: 1q44.
Variant type: single nucleotide variant.
Coding change: c.946G>A on transcript NM_205768.3 (MANE Select); coding-DNA position 946, G replaced by A.
Protein change: p.Val316Ile; replaces valine 316 with isoleucine.
Molecular consequence: missense variant. On other transcripts: 3 prime UTR variant (1).
Genome position (GRCh38, 1-based): chr1:244,054,720, G>A. VCF-style: chr1-244054720-G-A. GRCh37 (hg19) VCF-style: chr1-244218022-G-A.
Other names: c.919G>A, p.Val307Ile (NM_001278196.2, NM_006352.5); c.*123G>A (NM_001421566.1); short protein forms V307I, V316I.
Identifiers: ClinVar variation 3355285 (VCV003355285.1).

ClinVar aggregate classification (germline): Uncertain significance (0 of 4 stars; one submission).

Conditions:
ZBTB18-related disorder. Also called: ZBTB18-related condition.

gnomAD v4.1: 5 of 1,614,170 alleles (0.00031%); highest among the groups gnomAD compares: Non-Finnish European, 0.00042%; no homozygotes.

Submission:

PreventionGenetics, part of Exact Sciences
Classification: Uncertain significance for ZBTB18-related condition. Last evaluated: 2024-03-23. Review status: no assertion criteria provided. Collection method: clinical testing. Allele origin: germline.
Comment: The ZBTB18 c.946G>A variant is predicted to result in the amino acid substitution p.Val316Ile. To our knowledge, this variant has not been reported in the literature or in a large population database, indicating this variant is rare. At this time, the clinical significance of this variant is uncertain due to the absence of conclusive functional and genetic evidence.